The following is an entry in ClinVar:

NM_001384140.1(PCDH15):c.3551T>C (p.Ile1184Thr)

Gene: PCDH15 (protocadherin related 15; minus strand). Cytogenetic location: 10q21.1.
Variant type: single nucleotide variant.
Coding change: c.3551T>C on transcript NM_001384140.1 (MANE Select); coding-DNA position 3551, T replaced by C.
Protein change: p.Ile1184Thr; replaces isoleucine 1184 with threonine.
Molecular consequence: missense variant.
Genome position (GRCh38, 1-based): chr10:53,866,808, A>G on the plus strand (T>C on the coding strand, the complement: PCDH15 is on the minus strand). VCF-style: chr10-53866808-A-G. GRCh37 (hg19) VCF-style: chr10-55626568-A-G.
Other names: c.3566T>C, p.Ile1189Thr (NM_001142763.2, NM_001142771.2); c.3551T>C, p.Ile1184Thr (NM_001142764.2, NM_001142766.2, NM_001142770.3 and 4 more transcripts); c.3338T>C, p.Ile1113Thr (NM_001142765.2); c.3440T>C, p.Ile1147Thr (NM_001142767.2); c.3485T>C, p.Ile1162Thr (NM_001142768.2, NM_001142773.2, NM_001354404.2); c.3587T>C, p.Ile1196Thr (NM_001142769.4); c.3572T>C, p.Ile1191Thr (NM_001354411.2); short protein forms I1113T, I1147T, I1162T, I1184T, I1189T, I1191T, I1196T.
Identifiers: ClinVar variation 2417913 (VCV002417913.5), dbSNP rs1030229264, ClinGen allele CA207187822.

ClinVar aggregate classification (germline): Uncertain significance. Review status: criteria provided, multiple submitters, no conflicts (2 of 4 stars). 2 submissions from 2 submitters: Uncertain significance (2). Last evaluated 2024-04-19.

Submissions (2):

Labcorp Genetics (formerly Invitae), Labcorp
Classification: Uncertain significance. Last evaluated: 2024-04-19. Review status: criteria provided, single submitter. Criteria: Invitae Variant Classification Sherloc (09022015). Collection method: clinical testing. Allele origin: germline.
Comment: This sequence change replaces isoleucine, which is neutral and non-polar, with threonine, which is neutral and polar, at codon 1184 of the PCDH15 protein (p.Ile1184Thr). This variant is not present in population databases (gnomAD no frequency). This variant has not been reported in the literature in individuals affected with PCDH15-related conditions. ClinVar contains an entry for this variant (Variation ID: 2417913). Advanced modeling of protein sequence and biophysical properties (such as structural, functional, and spatial information, amino acid conservation, physicochemical variation, residue mobility, and thermodynamic stability) performed at Invitae indicates that this missense variant is not expected to disrupt PCDH15 protein function with a negative predictive value of 80%. In summary, the available evidence is currently insufficient to determine the role of this variant in disease. Therefore, it has been classified as a Variant of Uncertain Significance.

GeneDx
Classification: Uncertain significance. Last evaluated: 2023-05-11. Review status: criteria provided, single submitter. Criteria: GeneDx Variant Classification Process June 2021. Collection method: clinical testing. Allele origin: germline. Affected: yes.
Comment: Not observed at significant frequency in large population cohorts (gnomAD); In silico analysis supports that this missense variant has a deleterious effect on protein structure/function; Has not been previously published as pathogenic or benign to our knowledge